The following is an entry in ClinVar:

ClinVar aggregate classification (germline): Likely benign. Review status: criteria provided, multiple submitters, no conflicts (2 of 4 stars). 2 submissions from 2 submitters: Likely benign (2). Last evaluated 2025-09-04.

Conditions:
NEK9-related disorder. Also called: NEK9-related condition.
NEK9-related lethal skeletal dysplasia. Also called: Lethal congenital contracture syndrome 10. Identifiers: Orphanet 464366, MedGen C5568141, MONDO:0014870, OMIM 617022.

Allele frequency attached by ClinVar (database versions not stated): ESP Exome Variant Server 0.00015; TOPMed 0.00017; gnomAD 0.00022 and 0.00029; 1000 Genomes Project 0.00040; ExAC 0.00041; gnomAD exomes 0.00041; 1000 Genomes Project 30x 0.00047.
gnomAD v4.1: 453 of 1,614,166 alleles (0.028%); highest among the groups gnomAD compares: South Asian, 0.21%; 3 homozygotes.

Submissions (2):

PreventionGenetics, part of Exact Sciences
Classification: Likely benign for NEK9-related condition. Last evaluated: 2025-09-04. Review status: criteria provided, single submitter. Criteria: ACMG Guidelines, 2015. Collection method: clinical testing. Allele origin: germline.
Comment: This variant is classified as likely benign based on ACMG/AMP sequence variant interpretation guidelines (Richards et al. 2015 PMID: 25741868, with internal and published modifications).

Institute of Human Genetics, University of Leipzig Medical Center
Classification: Likely benign for NEK9-related lethal skeletal dysplasia. Last evaluated: 2019-01-01. Review status: criteria provided, single submitter. Criteria: ACMG Guidelines, 2015. Collection method: clinical testing. Allele origin: unknown. Affected: no.

NM_033116.6(NEK9):c.1126G>A (p.Ala376Thr)

Gene: NEK9 (NIMA related kinase 9; minus strand). Cytogenetic location: 14q24.3.
Variant type: single nucleotide variant.
Coding change: c.1126G>A on transcript NM_033116.6 (MANE Select); coding-DNA position 1126, G replaced by A.
Protein change: p.Ala376Thr; replaces alanine 376 with threonine.
Molecular consequence: missense variant.
Genome position (GRCh38, 1-based): chr14:75,109,741, C>T on the plus strand (G>A on the coding strand, the complement: NEK9 is on the minus strand). VCF-style: chr14-75109741-C-T. GRCh37 (hg19) VCF-style: chr14-75576444-C-T.
Other names: c.1126G>A, p.Ala376Thr (NM_001329237.2); c.772G>A, p.Ala258Thr (NM_001329238.2); short protein forms A258T, A376T.
Identifiers: ClinVar variation 982714 (VCV000982714.2), dbSNP rs370474070, ClinGen allele CA7277058.